The following is an entry in ClinVar:

ClinVar aggregate classification (germline): Likely pathogenic. Review status: criteria provided, multiple submitters, no conflicts (2 of 4 stars). 3 submissions from 3 submitters: Likely pathogenic (2). 1 of the submissions does not count toward it. Last evaluated 2025-04-29.

Conditions:
PTS-related disorder. Also called: PTS-related condition.
6-Pyruvoyl-tetrahydrobiopterin synthase deficiency. Also called: HYPERPHENYLALANINEMIA, TETRAHYDROBIOPTERIN-DEFICIENT, DUE TO PTS DEFICIENCY; BH4-deficient hyperphenylalaninemia A; 6-Pyruvoyltetrahydropterin Synthase Deficiency; Hyperphenylalanemia, BH4-deficient, A; Hyperphenylalaninemia due to 6-pyruvoyl-tetrahydropterin synthase deficiency; PTS-Related Tetrahydrobiopterin Deficiency. Identifiers: Orphanet 13, Orphanet 238583, MedGen C0878676, MONDO:0009863, OMIM 261640.

Allele frequency attached by ClinVar (database versions not stated): gnomAD exomes below 0.00001.

Submissions (3):

Natera, Inc.
Classification: Likely pathogenic for 6-Pyruvoyl-tetrahydrobiopterin synthase deficiency. Last evaluated: 2025-04-29. Review status: criteria provided, single submitter. Criteria: Natera Variant Classification Schema (03/2026). Collection method: clinical testing. Allele origin: germline.
Comment: The c.256C>T variant in PTS is a nonsense variant predicted to introduce a stop codon at amino acid 86. This variant is expected to result in nonsense mediated decay, truncation, or a dysfunctional protein product. This variant is rare in the general population with a frequency below the threshold expected for the associated phenotype(s). Given the available evidence, this variant is classified as Likely Pathogenic.

Revvity Omics, Revvity
Classification: Likely pathogenic for 6-Pyruvoyl-tetrahydrobiopterin synthase deficiency. Last evaluated: 2022-03-23. Review status: criteria provided, single submitter. Criteria: ACMG Guidelines, 2015. Collection method: clinical testing. Allele origin: germline.

PreventionGenetics, part of Exact Sciences
Classification: Likely pathogenic for PTS-related condition. Last evaluated: 2023-11-09. Review status: no assertion criteria provided. Collection method: clinical testing. Allele origin: germline. Not counted in ClinVar's aggregate classification.
Comment: The PTS c.256C>T variant is predicted to result in premature protein termination (p.Gln86*). To our knowledge, this variant has not been reported in the literature or in a large population database, indicating this variant is rare. Nonsense variants in PTS are expected to be pathogenic. This variant is interpreted as likely pathogenic.

NM_000317.3(PTS):c.256C>T (p.Gln86Ter)

Gene: PTS (6-pyruvoyltetrahydropterin synthase; plus strand). Cytogenetic location: 11q23.1.
Variant type: single nucleotide variant.
Coding change: c.256C>T on transcript NM_000317.3 (MANE Select); coding-DNA position 256, C replaced by T.
Protein change: p.Gln86Ter; replaces glutamine 86 with a stop codon.
Molecular consequence: nonsense.
Genome position (GRCh38, 1-based): chr11:112,233,175, C>T. VCF-style: chr11-112233175-C-T. GRCh37 (hg19) VCF-style: chr11-112103898-C-T.
Other names: c.256C>T (NM_000317.2); short protein forms Q86*.
Identifiers: ClinVar variation 2432884 (VCV002432884.7), dbSNP rs2496570703, ClinGen allele CA382627782.